The following is an entry in ClinVar:

NM_003126.4(SPTA1):c.858A>G (p.Val286=)

Gene: SPTA1 (spectrin alpha, erythrocytic 1; minus strand). Cytogenetic location: 1q23.1.
Variant type: single nucleotide variant.
Coding change: c.858A>G on transcript NM_003126.4 (MANE Select); coding-DNA position 858, A replaced by G.
Protein change: p.Val286=; no amino-acid change (valine 286 retained).
Molecular consequence: synonymous variant.
Genome position (GRCh38, 1-based): chr1:158,677,789, T>C on the plus strand (A>G on the coding strand, the complement: SPTA1 is on the minus strand). VCF-style: chr1-158677789-T-C. GRCh37 (hg19) VCF-style: chr1-158647579-T-C.
Identifiers: ClinVar variation 1330946 (VCV001330946.23), dbSNP rs370463832, ClinGen allele CA1183988.

ClinVar aggregate classification (germline): Likely benign. Review status: criteria provided, multiple submitters, no conflicts (2 of 4 stars). 4 submissions from 4 submitters: Likely benign (4). Last evaluated 2025-05-01.

Allele frequency attached by ClinVar (database versions not stated): gnomAD 0.00006; TOPMed 0.00011; 1000 Genomes Project 30x 0.00016; 1000 Genomes Project 0.00020; ESP Exome Variant Server 0.00024.

Submissions (4):

CeGaT Center for Human Genetics Tuebingen
Classification: Likely benign. Last evaluated: 2025-05-01. Review status: criteria provided, single submitter. Criteria: CeGaT Center For Human Genetics Tuebingen Variant Classification Criteria Version 2. Collection method: clinical testing. Allele origin: germline. Affected: yes. Observed: 1 variant allele.
Comment: SPTA1: BP4, BP7

Blueprint Genetics
Classification: Likely benign. Last evaluated: 2024-10-02. Review status: criteria provided, single submitter. Criteria: ACMG Guidelines, 2015. Collection method: clinical testing. Allele origin: germline.

Labcorp Genetics (formerly Invitae), Labcorp
Classification: Likely benign. Last evaluated: 2022-02-22. Review status: criteria provided, single submitter. Criteria: Invitae Variant Classification Sherloc (09022015). Collection method: clinical testing. Allele origin: germline.

ARUP Laboratories, Molecular Genetics and Genomics, ARUP Laboratories
Classification: Likely benign. Last evaluated: 2020-10-05. Review status: criteria provided, single submitter. Criteria: ARUP Molecular Germline Variant Investigation Process 2021. Collection method: clinical testing. Allele origin: germline.